The following is an entry in ClinVar:

NM_000276.4(OCRL):c.2695G>A (p.Glu899Lys)

Gene: OCRL (OCRL inositol polyphosphate-5-phosphatase; plus strand). Cytogenetic location: Xq26.1.
Variant type: single nucleotide variant.
Coding change: c.2695G>A on transcript NM_000276.4 (MANE Select); coding-DNA position 2695, G replaced by A.
Protein change: p.Glu899Lys; replaces glutamic acid 899 with lysine.
Molecular consequence: missense variant.
Genome position (GRCh38, 1-based): chrX:129,590,259, G>A. VCF-style: chrX-129590259-G-A. GRCh37 (hg19) VCF-style: chrX-128724236-G-A.
Other names: c.2698G>A, p.Glu900Lys (NM_001318784.2); c.2671G>A, p.Glu891Lys (NM_001587.4); short protein forms E899K, E900K, E891K.
Identifiers: ClinVar variation 377044 (VCV000377044.10), dbSNP rs749551841, ClinGen allele CA10512417.

ClinVar aggregate classification (germline): Conflicting classifications of pathogenicity. Review status: criteria provided, conflicting classifications (1 of 4 stars). 2 submissions from 2 submitters: Uncertain significance (1); Likely benign (1). Last evaluated 2026-01-23.

Conditions:
Lowe syndrome (OCRL). Also called: LOWE OCULOCEREBRORENAL SYNDROME; Oculocerebrorenal Syndrome; PHOSPHATIDYLINOSITOL 4,5-BISPHOSPHATE 5-PHOSPHATASE DEFICIENCY. Identifiers: Orphanet 534, MedGen C0028860, MONDO:0010645, OMIM 309000.

Allele frequency attached by ClinVar (database versions not stated): gnomAD exomes 0.00001 and 0.00002; ExAC 0.00002; gnomAD 0.00005.

Submissions (2):

Labcorp Genetics (formerly Invitae), Labcorp
Classification: Likely benign for Lowe syndrome. Last evaluated: 2026-01-23. Review status: criteria provided, single submitter. Criteria: Invitae Variant Classification Sherloc (09022015). Collection method: clinical testing. Allele origin: germline.

Center for Pediatric Genomic Medicine, Children's Mercy Hospital and Clinics
Classification: Uncertain significance. Last evaluated: 2016-12-29. Review status: criteria provided, single submitter. Criteria: ACMG Guidelines, 2015. Collection method: clinical testing. Allele origin: germline.
ClinVar note: Converted during submission from Uncertain Significance to Uncertain significance.